The following is an entry in ClinVar:

ClinVar aggregate classification (germline): Uncertain significance (1 of 4 stars; one submission).

Conditions:
Autosomal dominant hypophosphatemic rickets (ADHR). Also called: HYPOPHOSPHATEMIA, AUTOSOMAL DOMINANT; VITAMIN D-RESISTANT RICKETS, AUTOSOMAL DOMINANT. Identifiers: Orphanet 89937, MedGen C0342642, MONDO:0008660, OMIM 193100.

Submission:

MVZ Medizinische Genetik Mainz
Classification: Uncertain significance for Autosomal dominant hypophosphatemic rickets. Last evaluated: 2024-06-26. Review status: criteria provided, single submitter. Criteria: UK Practice Guidelines For Variant Classification V4 01 2020. Collection method: clinical testing. Allele origin: germline. Inheritance: Autosomal dominant inheritance. Affected: yes. Observed: 1 variant allele.
Comment: ACMG Criteria: PM2_SUP,PP3,PP4

NM_020638.3(FGF23):c.124C>G (p.Leu42Val)

Gene: FGF23 (fibroblast growth factor 23; minus strand). Cytogenetic location: 12p13.32.
Variant type: single nucleotide variant.
Coding change: c.124C>G on transcript NM_020638.3 (MANE Select); coding-DNA position 124, C replaced by G.
Protein change: p.Leu42Val; replaces leucine 42 with valine.
Molecular consequence: missense variant.
Genome position (GRCh38, 1-based): chr12:4,379,459, G>C on the plus strand (C>G on the coding strand, the complement: FGF23 is on the minus strand). VCF-style: chr12-4379459-G-C. GRCh37 (hg19) VCF-style: chr12-4488625-G-C.
Other names: short protein forms L42V.
Identifiers: ClinVar variation 3256616 (VCV003256616.1).
Genomic context (GRCh38, chr12:4,379,459, plus strand): 5'-CCACATGGCCATTCTTGTGGATCTGCAGGTGGTAGCTGTTCCTGGCTGTGGCTGTGTACA[G>C]GTGGATCAGGCCACCCCAGCTGGAGCCGAGCAGTGGGGAGGCATTGGGATAGGCTCTGAG-3'
Protein context (NP_065689.1, residues 32-52): LGSSWGGLIH[Leu42Val]YTATARNSYH